The following is an entry in ClinVar:

NM_201548.5(CERKL):c.1418C>T (p.Pro473Leu)

Gene: CERKL (CERK like autophagy regulator; minus strand). Cytogenetic location: 2q31.3.
Variant type: single nucleotide variant.
Coding change: c.1418C>T on transcript NM_201548.5 (MANE Select); coding-DNA position 1418, C replaced by T.
Protein change: p.Pro473Leu; replaces proline 473 with leucine.
Molecular consequence: missense variant. On other transcripts: non-coding transcript variant (2).
Genome position (GRCh38, 1-based): chr2:181,539,212, G>A on the plus strand (C>T on the coding strand, the complement: CERKL is on the minus strand). VCF-style: chr2-181539212-G-A. GRCh37 (hg19) VCF-style: chr2-182403939-G-A.
Other names: c.1496C>T, p.Pro499Leu (NM_001030311.3); c.1079C>T, p.Pro360Leu (NM_001030312.3); c.1211C>T, p.Pro404Leu (NM_001030313.3); c.1364C>T, p.Pro455Leu (NM_001160277.2); short protein forms P360L, P404L, P473L, P455L, P499L.
Identifiers: ClinVar variation 1482526 (VCV001482526.6), dbSNP rs899399621, ClinGen allele CA61572496.

ClinVar aggregate classification (germline): Uncertain significance. Review status: criteria provided, multiple submitters, no conflicts (2 of 4 stars). 2 submissions from 2 submitters: Uncertain significance (2). Last evaluated 2022-07-22.

Allele frequency attached by ClinVar (database versions not stated): gnomAD exomes below 0.00001; TOPMed 0.00001.
gnomAD v4.1: 5 of 1,604,748 alleles (0.00031%); highest among the groups gnomAD compares: South Asian, 0.0011%; no homozygotes.

Submissions (2):

Blueprint Genetics
Classification: Uncertain significance. Last evaluated: 2022-07-22. Review status: criteria provided, single submitter. Criteria: ACMG Guidelines, 2015. Collection method: clinical testing. Allele origin: germline.

Labcorp Genetics (formerly Invitae), Labcorp
Classification: Uncertain significance. Last evaluated: 2022-06-13. Review status: criteria provided, single submitter. Criteria: Invitae Variant Classification Sherloc (09022015). Collection method: clinical testing. Allele origin: germline.
Comment: This sequence change replaces proline, which is neutral and non-polar, with leucine, which is neutral and non-polar, at codon 499 of the CERKL protein (p.Pro499Leu). This variant is present in population databases (no rsID available, gnomAD 0.003%). This variant has not been reported in the literature in individuals affected with CERKL-related conditions. Algorithms developed to predict the effect of missense changes on protein structure and function (SIFT, PolyPhen-2, Align-GVGD) all suggest that this variant is likely to be tolerated. In summary, the available evidence is currently insufficient to determine the role of this variant in disease. Therefore, it has been classified as a Variant of Uncertain Significance.